The following is an entry in ClinVar:

ClinVar aggregate classification (germline): Conflicting classifications of pathogenicity. Review status: criteria provided, conflicting classifications (1 of 4 stars). 2 submissions from 2 submitters: Likely pathogenic (1); Uncertain significance (1). Last evaluated 2026-03-31.

Conditions:
Dilated cardiomyopathy 1G (CMD1G). Identifiers: Orphanet 154, MedGen C1858763, MONDO:0011400, OMIM 604145.
Autosomal recessive limb-girdle muscular dystrophy type 2J (LGMDR10). Also called: Limb-girdle muscular dystrophy, type 2J; MUSCULAR DYSTROPHY, LIMB-GIRDLE, AUTOSOMAL RECESSIVE 10. Identifiers: Orphanet 140922, MedGen C1837342, MONDO:0012127, OMIM 608807.

Submissions (2):

GeneDx
Classification: Uncertain significance. Last evaluated: 2026-03-31. Review status: criteria provided, single submitter. Criteria: GeneDx Variant Classification Process June 2021. Collection method: clinical testing. Allele origin: germline.
Comment: Not observed at significant frequency in large population cohorts (gnomAD); Frameshift variant predicted to result in protein truncation or nonsense mediated decay in a gene or region of a gene for which loss of function is not a well-established mechanism of disease; Has not been previously published as pathogenic or benign to our knowledge

Labcorp Genetics (formerly Invitae), Labcorp
Classification: Likely pathogenic for Dilated cardiomyopathy 1G; Autosomal recessive limb-girdle muscular dystrophy type 2J. Last evaluated: 2025-10-26. Review status: criteria provided, single submitter. Criteria: Invitae Variant Classification Sherloc (09022015). Collection method: clinical testing. Allele origin: germline.
Comment: This sequence change creates a premature translational stop signal (p.Glu518Lysfs*13) in the TTN gene. While this is not anticipated to result in nonsense mediated decay, it is expected to create a truncated TTN protein. This variant is not present in population databases (gnomAD no frequency). This variant has not been reported in the literature in individuals affected with TTN-related conditions. ClinVar contains an entry for this variant (Variation ID: 1468424). This variant is located in the Z band of TTN (PMID: 25589632). Truncating variants in this region have been reported in individuals affected with autosomal recessive centronuclear myopathy (PMID: 33449170, internal data). Truncating variants in this region have also been identified in individuals affected with autosomal dominant dilated cardiomyopathy and/or cardio-related conditions (PMID: 27869827, 32964742, internal data). In summary, the currently available evidence indicates that the variant is pathogenic, but additional data are needed to prove that conclusively. Therefore, this variant has been classified as Likely Pathogenic.

Literature cited by the submitters: PubMed 25589632 (cited by Labcorp Genetics (formerly Invitae), Labcorp); PubMed 33449170 (cited by Labcorp Genetics (formerly Invitae), Labcorp); PubMed 27869827 (cited by Labcorp Genetics (formerly Invitae), Labcorp); PubMed 32964742 (cited by Labcorp Genetics (formerly Invitae), Labcorp).

NM_001267550.2(TTN):c.1551_1552del (p.Glu518fs)

Gene: TTN (titin; minus strand). Cytogenetic location: 2q31.2.
Variant type: Deletion.
Coding change: c.1551_1552del on transcript NM_001267550.2 (MANE Select); coding-DNA positions 1551 to 1552, 2 bases deleted (TG; older notation c.1551_1552delTG).
Protein change: p.Glu518fs; shifts the reading frame from glutamic acid 518.
Molecular consequence: frameshift variant.
Genome position (GRCh38, 1-based): chr2:178,792,182-178,792,183, CA deleted on the plus strand (TG on the coding strand, the reverse complement: TTN is on the minus strand). VCF-style (leftmost placement, unchanged base first): chr2-178792181-TCA-T. GRCh37 (hg19) VCF-style: chr2-179656908-TCA-T.
Other names: c.1551_1552del, p.Glu518fs (NM_001256850.1, NM_003319.4, NM_133378.4 and 3 more transcripts); c.1551_1552del (NM_001267550.1); short protein forms E518fs.
Identifiers: ClinVar variation 1468424 (VCV001468424.7), dbSNP rs2154354703, ClinGen allele CA2573133984.
Genomic context (GRCh38, chr2:178,792,181, plus strand): 5'-CTAGTTTCTTGTTCTTTGGCTTTAGCTGCGGAAATTACTACCTTTGGTACAAATGTTTTT[TCA>T]GTTTCTTTTCTTATCTGCAAAGAATGATTTAAGAAAAAACTTTATTTCCTGATGCCCAAT-3'